The following is an entry in ClinVar:

ClinVar aggregate classification (germline): Benign/Likely benign. Review status: criteria provided, multiple submitters, no conflicts (2 of 4 stars). 4 submissions from 4 submitters: Benign (1); Likely benign (3). Last evaluated 2025-01-08.

Conditions:
Lynch syndrome 5 (LYNCH5). Also called: Colorectal cancer, hereditary nonpolyposis, type 5; Hereditary non-polyposis colorectal cancer, type 5. Identifiers: Orphanet 144, MedGen C1833477, MONDO:0013710, OMIM 614350. Disease mechanism: loss of function.
Hereditary cancer-predisposing syndrome. Also called: Neoplastic Syndromes, Hereditary; Hereditary neoplastic syndrome; Tumor predisposition; Hereditary Cancer Syndrome. Identifiers: Orphanet 140162, MedGen C0027672, MeSH D009386, MONDO:0015356.
Hereditary nonpolyposis colorectal neoplasms. Identifiers: MedGen C0009405, MeSH D003123.

Submissions (4):

Myriad Genetics, Inc.
Classification: Benign for Lynch syndrome 5. Last evaluated: 2025-01-08. Review status: criteria provided, single submitter. Criteria: Myriad Autosomal Dominant, Autosomal Recessive and X-Linked Classification Criteria (2023). Collection method: clinical testing. Allele origin: unknown.
Comment: This variant is considered benign. This variant is a silent/synonymous amino acid change and it is not expected to impact splicing.

Labcorp Genetics (formerly Invitae), Labcorp
Classification: Likely benign for Hereditary nonpolyposis colorectal neoplasms. Last evaluated: 2023-12-01. Review status: criteria provided, single submitter. Criteria: Invitae Variant Classification Sherloc (09022015). Collection method: clinical testing. Allele origin: germline.

Color Diagnostics, LLC DBA Color Health
Classification: Likely benign for Hereditary cancer-predisposing syndrome. Last evaluated: 2019-02-26. Review status: criteria provided, single submitter. Criteria: ACMG Guidelines, 2015. Collection method: clinical testing. Allele origin: germline.

Ambry Genetics
Classification: Likely benign for Hereditary cancer-predisposing syndrome. Last evaluated: 2018-04-05. Review status: criteria provided, single submitter. Criteria: Ambry Variant Classification Scheme 2023. Collection method: clinical testing. Allele origin: germline.

NM_000179.3(MSH6):c.3840G>A (p.Gln1280=)

Gene: MSH6 (mutS homolog 6; plus strand). Cytogenetic location: 2p16.3.
Variant type: single nucleotide variant.
Coding change: c.3840G>A on transcript NM_000179.3 (MANE Select); coding-DNA position 3840, G replaced by A.
Protein change: p.Gln1280=; no amino-acid change (glutamine 1280 retained).
Molecular consequence: synonymous variant.
Genome position (GRCh38, 1-based): chr2:47,806,490, G>A. VCF-style: chr2-47806490-G-A. GRCh37 (hg19) VCF-style: chr2-48033629-G-A.
Other names: c.3450G>A, p.Gln1150= (NM_001281492.2); c.2934G>A, p.Gln978= (NM_001281493.2, NM_001281494.2).
Identifiers: ClinVar variation 796164 (VCV000796164.18), dbSNP rs1572746501, ClinGen allele CA426122117.